The following is an entry in ClinVar:

NM_015459.5(ATL3):c.510+1G>T

Genes: ATL3 (atlastin GTPase 3; minus strand), LNCROPM (lncRNA regulator of PLAAT3 mediated phospholipid metabolism; plus strand). Cytogenetic location: 11q13.1.
Variant type: single nucleotide variant.
Coding change: c.510+1G>T on transcript NM_015459.5 (MANE Select); the canonical splice donor site of the intron after coding-DNA position 510, G replaced by T.
Molecular consequence: splice donor variant.
Genome position (GRCh38, 1-based): chr11:63,652,470, C>A on the plus strand (G>T on the coding strand, the complement: ATL3 is on the minus strand). VCF-style: chr11-63652470-C-A. GRCh37 (hg19) VCF-style: chr11-63419942-C-A.
Other names: c.456+1G>T (NM_001290048.2).
Identifiers: ClinVar variation 960723 (VCV000960723.8), dbSNP rs1453643091, ClinGen allele CA381027331.

ClinVar aggregate classification (germline): Uncertain significance (1 of 4 stars; one submission).

Conditions:
Neuropathy, hereditary sensory, type 1F. Also called: HSN IF; Hereditary sensory neuropathy type IF. Identifiers: Orphanet 36386, MedGen C3810194, MONDO:0014286, OMIM 615632.

Allele frequency attached by ClinVar (database versions not stated): TOPMed below 0.00001.

Submission:

Labcorp Genetics (formerly Invitae), Labcorp
Classification: Uncertain significance for Neuropathy, hereditary sensory, type 1F. Last evaluated: 2019-07-22. Review status: criteria provided, single submitter. Criteria: Invitae Variant Classification Sherloc (09022015). Collection method: clinical testing. Allele origin: germline.
Comment: In summary, the available evidence is currently insufficient to determine the role of this variant in disease. Therefore, it has been classified as a Variant of Uncertain Significance. The current clinical and genetic evidence is not sufficient to establish whether loss-of-function variants in ATL3 cause disease. This variant has not been reported in the literature in individuals with ATL3-related conditions. This variant is not present in population databases (ExAC no frequency). This sequence change affects a donor splice site in intron 4 of the ATL3 gene. It is expected to disrupt RNA splicing and likely results in an absent or disrupted protein product.